The following is an entry in ClinVar:

ClinVar aggregate classification (germline): Uncertain significance. Review status: criteria provided, multiple submitters, no conflicts (2 of 4 stars). 5 submissions from 5 submitters: Uncertain significance (5). Last evaluated 2025-03-02.

Conditions:
Classic or attenuated familial adenomatous polyposis. Identifiers: MedGen CN372698, MONDO:0021057.
Hereditary cancer-predisposing syndrome. Also called: Hereditary neoplastic syndrome; Neoplastic Syndromes, Hereditary; Tumor predisposition; Hereditary Cancer Syndrome. Identifiers: Orphanet 140162, MedGen C0027672, MeSH D009386, MONDO:0015356.
Familial adenomatous polyposis 1 (FAP1). Also called: FAMILIAL ADENOMATOUS POLYPOSIS 1, ATTENUATED; POLYPOSIS, ADENOMATOUS INTESTINAL. Identifiers: MedGen C2713442, MONDO:0021056, OMIM 175100. Disease mechanism: loss of function.

Allele frequency attached by ClinVar (database versions not stated): gnomAD exomes below 0.00001.
gnomAD v4.1: 1 of 1,613,624 alleles (0.000062%); highest among the groups gnomAD compares: Non-Finnish European, 0.000085%; no homozygotes.

Submissions (5):

Labcorp Genetics (formerly Invitae), Labcorp
Classification: Uncertain significance for Familial adenomatous polyposis 1. Last evaluated: 2025-03-02. Review status: criteria provided, single submitter. Criteria: Invitae Variant Classification Sherloc (09022015). Collection method: clinical testing. Allele origin: germline.
Comment: This sequence change replaces serine, which is neutral and polar, with arginine, which is basic and polar, at codon 1970 of the APC protein (p.Ser1970Arg). This variant is not present in population databases (gnomAD no frequency). This missense change has been observed in individual(s) with adenomatous polyps (PMID: 9669663). This variant is also known as 5911A>C. ClinVar contains an entry for this variant (Variation ID: 560746). Invitae Evidence Modeling of protein sequence and biophysical properties (such as structural, functional, and spatial information, amino acid conservation, physicochemical variation, residue mobility, and thermodynamic stability) indicates that this missense variant is not expected to disrupt APC protein function with a negative predictive value of 95%. In summary, the available evidence is currently insufficient to determine the role of this variant in disease. Therefore, it has been classified as a Variant of Uncertain Significance.

Ambry Genetics
Classification: Uncertain significance for Hereditary cancer-predisposing syndrome. Last evaluated: 2024-09-24. Review status: criteria provided, single submitter. Criteria: Ambry Variant Classification Scheme 2023. Collection method: clinical testing. Allele origin: germline.
Comment: The p.S1970R variant (also known as c.5908A>C), located in coding exon 15 of the APC gene, results from an A to C substitution at nucleotide position 5908. The serine at codon 1970 is replaced by arginine, an amino acid with dissimilar properties. This amino acid position is highly conserved in available vertebrate species. In addition, in silico predictors for this gene do not accurately predict pathogenicity. Missense alterations in APC are not a common cause of disease (Spier I et al. Genet Med. 2024 Feb;26(2):100992). Based on the available evidence, the clinical significance of this variant remains unclear.

Department of Pathology and Laboratory Medicine, Sinai Health System
Classification: Uncertain significance for classic or attenuated familial adenomatous polyposis. Last evaluated: 2023-10-18. Review status: criteria provided, single submitter. Criteria: ACMG Guidelines, 2015. Collection method: research. Allele origin: germline.

Color Diagnostics, LLC DBA Color Health
Classification: Uncertain significance for Hereditary cancer-predisposing syndrome. Last evaluated: 2019-06-19. Review status: criteria provided, single submitter. Criteria: ACMG Guidelines, 2015. Collection method: clinical testing. Allele origin: germline.

PreventionGenetics, part of Exact Sciences
Classification: Uncertain significance. Last evaluated: 2017-12-19. Review status: criteria provided, single submitter. Criteria: ACMG Guidelines, 2015. Collection method: clinical testing. Allele origin: germline.

Literature cited by the submitters: PubMed 9669663 (cited by Labcorp Genetics (formerly Invitae), Labcorp and Ambry Genetics).

NM_000038.6(APC):c.5908A>C (p.Ser1970Arg)

Gene: APC (APC regulator of Wnt signaling pathway; plus strand). Cytogenetic location: 5q22.2.
Variant type: single nucleotide variant.
Coding change: c.5908A>C on transcript NM_000038.6 (MANE Select); coding-DNA position 5908, A replaced by C.
Protein change: p.Ser1970Arg; replaces serine 1970 with arginine.
Molecular consequence: missense variant.
Genome position (GRCh38, 1-based): chr5:112,841,502, A>C. VCF-style: chr5-112841502-A-C. GRCh37 (hg19) VCF-style: chr5-112177199-A-C.
Other names: c.5908A>C, p.Ser1970Arg (NM_001127510.3, NM_001354895.2); c.5854A>C, p.Ser1952Arg (NM_001127511.3); c.5962A>C, p.Ser1988Arg (NM_001354896.2); c.5938A>C, p.Ser1980Arg (NM_001354897.2); c.5833A>C, p.Ser1945Arg (NM_001354898.2); c.5824A>C, p.Ser1942Arg (NM_001354899.2); c.5785A>C, p.Ser1929Arg (NM_001354900.2); c.5731A>C, p.Ser1911Arg (NM_001354901.2); and 5 more; short protein forms S1952R, S1970R, S1810R, S1844R, S1879R, S1945R, S1687R, S1942R.
Identifiers: ClinVar variation 560746 (VCV000560746.20), dbSNP rs1561603616, ClinGen allele CA16034256.